The following is an entry in ClinVar:

ClinVar aggregate classification (germline): Uncertain significance. Review status: criteria provided, multiple submitters, no conflicts (2 of 4 stars). 4 submissions from 4 submitters: Uncertain significance (4). Last evaluated 2026-04-27.

Conditions:
Inborn genetic diseases. Identifiers: MedGen C0950123, MeSH D030342.
Neonatal-onset encephalopathy with rigidity and seizures. Also called: Lethal neonatal spasticity-epileptic encephalopathy syndrome. Identifiers: Orphanet 435845, MedGen C3281029, MONDO:0013784, OMIM 614498.

Allele frequency attached by ClinVar (database versions not stated): gnomAD exomes 0.00001; gnomAD 0.00003; ExAC 0.00003; TOPMed 0.00005; ESP Exome Variant Server 0.00008.
gnomAD v4.1: 12 of 1,612,808 alleles (0.00074%); highest among the groups gnomAD compares: African/African-American, 0.012%; no homozygotes.

Submissions (4):

Ambry Genetics
Classification: Uncertain significance for Inborn genetic diseases. Last evaluated: 2026-04-27. Review status: criteria provided, single submitter. Criteria: Ambry Variant Classification Scheme 2023. Collection method: clinical testing. Allele origin: germline.
Comment: The c.2075T>G (p.L692R) alteration is located in exon 14 (coding exon 13) of the BRAT1 gene. This alteration results from a T to G substitution at nucleotide position 2075, causing the leucine (L) at amino acid position 692 to be replaced by an arginine (R). Based on data from gnomAD, the G allele has an overall frequency of 0.003% (7/249402) total alleles studied. The highest observed frequency was 0.025% (4/16048) of African alleles. Based on insufficient or conflicting evidence, the clinical significance of this alteration remains unclear.

Women's Health and Genetics/Laboratory Corporation of America, LabCorp
Classification: Uncertain significance. Last evaluated: 2026-03-19. Review status: criteria provided, single submitter. Criteria: LabCorp Variant Classification Summary - May 2015. Collection method: clinical testing. Allele origin: germline.
Comment: Variant summary: BRAT1 c.2075T>G (p.Leu692Arg) results in a non-conservative amino acid change in the encoded protein sequence. Algorithms developed to predict the effect of missense changes on protein structure and function are either unavailable or do not agree on the potential impact of this missense change. The variant allele was found at a frequency of 2.8e-05 in 249402 control chromosomes. The available data on variant occurrences in the general population are insufficient to allow any conclusion about variant significance. To our knowledge, no occurrence of c.2075T>G in individuals affected with BRAT1-related conditions and no experimental evidence demonstrating its impact on protein function have been reported. ClinVar contains an entry for this variant (Variation ID: 2145405). Based on the evidence outlined above, the variant was classified as uncertain significance.

GeneDx
Classification: Uncertain significance. Last evaluated: 2025-03-20. Review status: criteria provided, single submitter. Criteria: GeneDx Variant Classification Process June 2021. Collection method: clinical testing. Allele origin: germline. Affected: yes.
Comment: In silico analysis supports that this missense variant has a deleterious effect on protein structure/function; Has not been previously published as pathogenic or benign to our knowledge

Labcorp Genetics (formerly Invitae), Labcorp
Classification: Uncertain significance for Neonatal-onset encephalopathy with rigidity and seizures. Last evaluated: 2023-08-10. Review status: criteria provided, single submitter. Criteria: Invitae Variant Classification Sherloc (09022015). Collection method: clinical testing. Allele origin: germline.
Comment: This sequence change replaces leucine, which is neutral and non-polar, with arginine, which is basic and polar, at codon 692 of the BRAT1 protein (p.Leu692Arg). This variant is present in population databases (rs373211828, gnomAD 0.03%). This variant has not been reported in the literature in individuals affected with BRAT1-related conditions. ClinVar contains an entry for this variant (Variation ID: 2145405). Advanced modeling of protein sequence and biophysical properties (such as structural, functional, and spatial information, amino acid conservation, physicochemical variation, residue mobility, and thermodynamic stability) performed at Invitae indicates that this missense variant is expected to disrupt BRAT1 protein function. In summary, the available evidence is currently insufficient to determine the role of this variant in disease. Therefore, it has been classified as a Variant of Uncertain Significance.

NM_152743.4(BRAT1):c.2075T>G (p.Leu692Arg)

Gene: BRAT1 (BRCA1 associated ATM activator 1; minus strand). Cytogenetic location: 7p22.3.
Variant type: single nucleotide variant.
Coding change: c.2075T>G on transcript NM_152743.4 (MANE Select); coding-DNA position 2075, T replaced by G.
Protein change: p.Leu692Arg; replaces leucine 692 with arginine.
Molecular consequence: missense variant. On other transcripts: non-coding transcript variant (1).
Genome position (GRCh38, 1-based): chr7:2,538,460, A>C on the plus strand (T>G on the coding strand, the complement: BRAT1 is on the minus strand). VCF-style: chr7-2538460-A-C. GRCh37 (hg19) VCF-style: chr7-2578094-A-C.
Other names: c.2255T>G, p.Leu752Arg (NM_001350626.2); c.1550T>G, p.Leu517Arg (NM_001350627.2); c.2075T>G (NM_152743.3); short protein forms L692R, L752R, L517R.
Identifiers: ClinVar variation 2145405 (VCV002145405.5), dbSNP rs373211828, ClinGen allele CA4127468.